The following is an entry in ClinVar:

NM_004385.5(VCAN):c.9304G>A (p.Gly3102Ser)

Genes: VCAN (versican; plus strand), VCAN-AS1 (VCAN antisense RNA 1; minus strand). Cytogenetic location: 5q14.3.
Variant type: single nucleotide variant.
Coding change: c.9304G>A on transcript NM_004385.5 (MANE Select); coding-DNA position 9304, G replaced by A.
Protein change: p.Gly3102Ser; replaces glycine 3102 with serine.
Molecular consequence: missense variant.
Genome position (GRCh38, 1-based): chr5:83,545,575, G>A. VCF-style: chr5-83545575-G-A. GRCh37 (hg19) VCF-style: chr5-82841394-G-A.
Other names: c.1081G>A, p.Gly361Ser (NM_001126336.3); c.6343G>A, p.Gly2115Ser (NM_001164097.2); c.4042G>A, p.Gly1348Ser (NM_001164098.2); short protein forms G3102S, G361S, G2115S, G1348S.
Identifiers: ClinVar variation 2871167 (VCV002871167.4), dbSNP rs1405125242, ClinGen allele CA360296333.

ClinVar aggregate classification (germline): Uncertain significance. Review status: criteria provided, multiple submitters, no conflicts (2 of 4 stars). 2 submissions from 2 submitters: Uncertain significance (2). Last evaluated 2022-12-10.

Allele frequency attached by ClinVar (database versions not stated): gnomAD exomes below 0.00001; gnomAD 0.00001.
gnomAD v4.1: 8 of 1,614,014 alleles (0.0005%); highest among the groups gnomAD compares: Non-Finnish European, 0.00068%; no homozygotes.

Submissions (2):

Labcorp Genetics (formerly Invitae), Labcorp
Classification: Uncertain significance. Last evaluated: 2022-12-10. Review status: criteria provided, single submitter. Criteria: Invitae Variant Classification Sherloc (09022015). Collection method: clinical testing. Allele origin: germline.
Comment: In summary, the available evidence is currently insufficient to determine the role of this variant in disease. Therefore, it has been classified as a Variant of Uncertain Significance. Algorithms developed to predict the effect of missense changes on protein structure and function (SIFT, PolyPhen-2, Align-GVGD) all suggest that this variant is likely to be disruptive. This variant has not been reported in the literature in individuals affected with VCAN-related conditions. This variant is present in population databases (no rsID available, gnomAD 0.007%). This sequence change replaces glycine, which is neutral and non-polar, with serine, which is neutral and polar, at codon 3102 of the VCAN protein (p.Gly3102Ser).

Blueprint Genetics
Classification: Uncertain significance. Last evaluated: 2019-02-26. Review status: criteria provided, single submitter. Criteria: ACMG Guidelines, 2015. Collection method: clinical testing. Allele origin: germline.